The following is an entry in ClinVar:

ClinVar aggregate classification (germline): Conflicting classifications of pathogenicity. Review status: criteria provided, conflicting classifications (1 of 4 stars). 5 submissions from 5 submitters: Uncertain significance (3); Likely benign (2). Last evaluated 2025-09-10.

Conditions:
Cone-rod dystrophy 5 (CORD5). Identifiers: Orphanet 1872, MedGen C1832976, MONDO:0010969, OMIM 600977.

Allele frequency attached by ClinVar (database versions not stated): gnomAD 0.00017 and 0.00019; TOPMed 0.00018; ESP Exome Variant Server 0.00023; gnomAD exomes 0.00024.
gnomAD v4.1: 374 of 1,614,008 alleles (0.023%); highest among the groups gnomAD compares: Non-Finnish European, 0.03%; no homozygotes.

Submissions (5):

Labcorp Genetics (formerly Invitae), Labcorp
Classification: Uncertain significance. Last evaluated: 2025-09-10. Review status: criteria provided, single submitter. Criteria: Invitae Variant Classification Sherloc (09022015). Collection method: clinical testing. Allele origin: germline.
Comment: This sequence change replaces phenylalanine, which is neutral and non-polar, with leucine, which is neutral and non-polar, at codon 169 of the PITPNM3 protein (p.Phe169Leu). This variant is present in population databases (rs367702668, gnomAD 0.02%). This variant has not been reported in the literature in individuals affected with PITPNM3-related conditions. ClinVar contains an entry for this variant (Variation ID: 198270). Invitae Evidence Modeling of protein sequence and biophysical properties (such as structural, functional, and spatial information, amino acid conservation, physicochemical variation, residue mobility, and thermodynamic stability) indicates that this missense variant is not expected to disrupt PITPNM3 protein function with a negative predictive value of 80%. In summary, the available evidence is currently insufficient to determine the role of this variant in disease. Therefore, it has been classified as a Variant of Uncertain Significance.

Ambry Genetics
Classification: Uncertain significance. Last evaluated: 2025-08-15. Review status: criteria provided, single submitter. Criteria: Ambry Variant Classification Scheme 2023. Collection method: clinical testing. Allele origin: germline.

Blueprint Genetics
Classification: Likely benign. Last evaluated: 2024-09-19. Review status: criteria provided, single submitter. Criteria: ACMG Guidelines, 2015. Collection method: clinical testing. Allele origin: germline.

Illumina Laboratory Services, Illumina
Classification: Likely benign for Cone-rod dystrophy 5. Last evaluated: 2018-01-13. Review status: criteria provided, single submitter. Criteria: ICSL Variant Classification Criteria 13 December 2019. Collection method: clinical testing. Allele origin: germline.
Comment: This variant was observed in the ICSL laboratory as part of a predisposition screen in an ostensibly healthy population. It had not been previously curated by ICSL or reported in the Human Gene Mutation Database (HGMD: prior to June 1st, 2018), and was therefore a candidate for classification through an automated scoring system. Utilizing variant allele frequency, disease prevalence and penetrance estimates, and inheritance mode, an automated score was calculated to assess if this variant is too frequent to cause the disease. Based on the score and internal cut-off values, a variant classified as likely benign is not then subjected to further curation. The score for this variant resulted in a classification of likely benign for this disease.

Eurofins Ntd Llc (ga)
Classification: Uncertain significance. Last evaluated: 2015-02-27. Review status: criteria provided, single submitter. Criteria: EGL Classification Definitions 2015. Collection method: clinical testing. Allele origin: germline. Observed: 1 variant allele, 1 heterozygote.

NM_031220.4(PITPNM3):c.507C>A (p.Phe169Leu)

Gene: PITPNM3 (PITPNM family member 3; minus strand). Cytogenetic location: 17p13.2.
Variant type: single nucleotide variant.
Coding change: c.507C>A on transcript NM_031220.4 (MANE Select); coding-DNA position 507, C replaced by A.
Protein change: p.Phe169Leu; replaces phenylalanine 169 with leucine.
Molecular consequence: missense variant.
Genome position (GRCh38, 1-based): chr17:6,483,597, G>T on the plus strand (C>A on the coding strand, the complement: PITPNM3 is on the minus strand). VCF-style: chr17-6483597-G-T. GRCh37 (hg19) VCF-style: chr17-6386917-G-T.
Other names: c.399C>A, p.Phe133Leu (NM_001165966.2); short protein forms F169L, F133L.
Identifiers: ClinVar variation 198270 (VCV000198270.22), dbSNP rs367702668, ClinGen allele CA246825.